The following is an entry in ClinVar:

NM_006015.6(ARID1A):c.4615G>T (p.Ala1539Ser)

Gene: ARID1A (AT-rich interaction domain 1A; plus strand). Cytogenetic location: 1p36.11.
Variant type: single nucleotide variant.
Coding change: c.4615G>T on transcript NM_006015.6 (MANE Select); coding-DNA position 4615, G replaced by T.
Protein change: p.Ala1539Ser; replaces alanine 1539 with serine.
Molecular consequence: missense variant. On other transcripts: intron variant (1).
Genome position (GRCh38, 1-based): chr1:26,774,842, G>T. VCF-style: chr1-26774842-G-T. GRCh37 (hg19) VCF-style: chr1-27101333-G-T.
Other names: c.4615G>T (NM_006015.4); c.4102-138G>T (NM_139135.4); short protein forms A1539S.
Identifiers: ClinVar variation 133550 (VCV000133550.7), dbSNP rs112918204, ClinGen allele CA156921.
Genomic context (GRCh38, chr1:26,774,842, plus strand): 5'-CAGGGCCCCGCCTATCATGGCGTGAACCGAACAGATGAAATGCTGCACACAGATCAGAGG[G>T]CCAACCACGAAGGCTCGTGGCCTTCCCATGGCACACGCCAGCCCCCATATGGTCCCTCTG-3'
Protein context (NP_006006.3, residues 1529-1549): TDEMLHTDQR[Ala1539Ser]NHEGSWPSHG

ClinVar aggregate classification (germline): Likely benign. Review status: criteria provided, multiple submitters, no conflicts (2 of 4 stars). 3 submissions from 3 submitters: Likely benign (2). 1 of the submissions does not count toward it. Last evaluated 2025-01-14.

Conditions:
Inborn genetic diseases. Identifiers: MedGen C0950123, MeSH D030342.

Allele frequency attached by ClinVar (database versions not stated): gnomAD exomes 0.00001 and 0.00002; ExAC 0.00003; gnomAD 0.00006 and 0.00007; TOPMed 0.00007; ESP Exome Variant Server 0.00015.
gnomAD v4.1: 37 of 1,609,574 alleles (0.0023%); highest among the groups gnomAD compares: African/African-American, 0.033%; no homozygotes.

Submissions (3):

Ambry Genetics
Classification: Likely benign for Inborn genetic diseases. Last evaluated: 2025-01-14. Review status: criteria provided, single submitter. Criteria: Ambry Variant Classification Scheme 2023. Collection method: clinical testing. Allele origin: germline.

Labcorp Genetics (formerly Invitae), Labcorp
Classification: Likely benign. Last evaluated: 2024-10-23. Review status: criteria provided, single submitter. Criteria: Invitae Variant Classification Sherloc (09022015). Collection method: clinical testing. Allele origin: germline.

ITMI
No classification provided. Condition: AllHighlyPenetrant. Last evaluated: 2013-09-19. Review status: no classification provided. Collection method: reference population. Allele origin: germline. Not counted in ClinVar's aggregate classification.
Comment: Please see associated publication for description of ethnicities

Literature cited by the submitters: PubMed 24728327 (cited by ITMI).